The following is an entry in ClinVar:

ClinVar aggregate classification (germline): Uncertain significance (1 of 4 stars; one submission).

Submission:

Medical Genetic Center, Changzhi Maternal and Child Health Care Hospital
Classification: Uncertain significance. Last evaluated: 2025-12-10. Review status: criteria provided, single submitter. Criteria: ACMG/ClinGen CNV Guidelines, 2019. Collection method: clinical testing. Allele origin: unknown.
Comment: ARPC4 partial duplication (NM_005718.5, exon 2-6)

GRCh38/hg38 3p25.3(chr3:9797007-9999699)x3

Genes: ARPC4 (actin related protein 2/3 complex subunit 4; plus strand), ARPC4-TTLL3 (ARPC4-TTLL3 readthrough; plus strand), CIDEC (cell death inducing DFFA like effector c; minus strand), CRELD1 (CRELD disulfide isomerase 1; plus strand), EMC3 (ER membrane protein complex subunit 3; minus strand) and 23 more. Cytogenetic location: 3p25.3.
Variant type: copy number gain.
Change: copy number 3 (three copies instead of two) of chr3:9,797,007-9,999,699 (202.7 kb, GRCh38 coordinates, 1-based), cytogenetic band 3p25.3.
Identifiers: ClinVar variation 4796462 (VCV004796462.1).